The following is an entry in ClinVar:

ClinVar aggregate classification (germline): Conflicting classifications of pathogenicity. Review status: criteria provided, conflicting classifications (1 of 4 stars). 2 submissions from 2 submitters: Uncertain significance (1); Likely benign (1). Last evaluated 2025-01-02.

Conditions:
Fanconi anemia (FA). Also called: Fanconi's anemia. Identifiers: Orphanet 84, MedGen C0015625, MeSH D005199, MONDO:0019391.

Submissions (2):

Quest Diagnostics Nichols Institute San Juan Capistrano
Classification: Uncertain significance. Last evaluated: 2025-01-02. Review status: criteria provided, single submitter. Criteria: Quest Diagnostics criteria. Collection method: clinical testing. Allele origin: unknown.
Comment: The FANCA c.3626+7G>T variant has not been reported in individuals with FANCA-related conditions in the published literature. It also has not been reported in large, multi-ethnic general populations (Genome Aggregation Database). Analysis of this variant using software algorithms for the prediction of the effect of nucleotide changes on FANCA mRNA splicing yielded inconclusive findings. Based on the available information, we are unable to determine the clinical significance of this variant.

Labcorp Genetics (formerly Invitae), Labcorp
Classification: Likely benign for Fanconi anemia. Last evaluated: 2023-07-09. Review status: criteria provided, single submitter. Criteria: Invitae Variant Classification Sherloc (09022015). Collection method: clinical testing. Allele origin: germline.

NM_000135.4(FANCA):c.3626+7G>T

Gene: FANCA (FA complementation group A; minus strand). Cytogenetic location: 16q24.3.
Variant type: single nucleotide variant.
Coding change: c.3626+7G>T on transcript NM_000135.4 (MANE Select); 7 bases into the intron after coding-DNA position 3626, G replaced by T.
Molecular consequence: intron variant.
Genome position (GRCh38, 1-based): chr16:89,744,952, C>A on the plus strand (G>T on the coding strand, the complement: FANCA is on the minus strand). VCF-style: chr16-89744952-C-A. GRCh37 (hg19) VCF-style: chr16-89811360-C-A.
Other names: c.3626+7G>T (NM_001286167.3, NM_000135.3).
Identifiers: ClinVar variation 2813151 (VCV002813151.4), dbSNP rs933657325, ClinGen allele CA2635018946.
Genomic context (GRCh38, chr16:89,744,952, plus strand): 5'-AGATGACCTTGAGCAGGTCCCGAAGTGCATCTGGGCGGGCACACCCCATCTCACCACCCA[C>A]ACGTACTCGCTGGCAAACTGCCGGCCTTCTTGTAGCTTCTGCAGTTCCCGGGGCAGCGGG-3'